The following is an entry in ClinVar:

ClinVar aggregate classification (germline): Benign/Likely benign. Review status: criteria provided, multiple submitters, no conflicts (2 of 4 stars). 5 submissions from 5 submitters: Benign (4); Likely benign (1). Last evaluated 2026-04-01.

Conditions:
Inborn genetic diseases. Identifiers: MedGen C0950123, MeSH D030342.
Developmental and epileptic encephalopathy, 30 (DEE30). Also called: Epileptic encephalopathy, early infantile, 30. Identifiers: MedGen C4225360, MONDO:0014595, OMIM 616341.

Allele frequency attached by ClinVar (database versions not stated): gnomAD exomes 0.00306; ExAC 0.00650; ESP Exome Variant Server 0.01398; TOPMed 0.01428; 1000 Genomes Project 0.01458; gnomAD 0.05170.

Submissions (5):

CeGaT Center for Human Genetics Tuebingen
Classification: Likely benign. Last evaluated: 2026-04-01. Review status: criteria provided, single submitter. Criteria: CeGaT Center For Human Genetics Tuebingen Variant Classification Criteria Version 2. Collection method: clinical testing. Allele origin: germline. Affected: yes. Observed: 2 variant alleles.
Comment: SIK1: BS1

Labcorp Genetics (formerly Invitae), Labcorp
Classification: Benign for Developmental and epileptic encephalopathy, 30. Last evaluated: 2026-01-28. Review status: criteria provided, single submitter. Criteria: Invitae Variant Classification Sherloc (09022015). Collection method: clinical testing. Allele origin: germline.

Mayo Clinic Laboratories, Mayo Clinic
Classification: Benign. Last evaluated: 2018-07-19. Review status: criteria provided, single submitter. Criteria: ACMG Guidelines, 2015. Collection method: clinical testing. Allele origin: germline. Observed: 10 variant alleles.

Ambry Genetics
Classification: Benign for Inborn genetic diseases. Last evaluated: 2016-07-29. Review status: criteria provided, single submitter. Criteria: Ambry Variant Classification Scheme 2023. Collection method: clinical testing. Allele origin: germline.

Breakthrough Genomics
Classification: Benign. Review status: criteria provided, single submitter. Criteria: ACMG Guidelines, 2015. Collection method: not provided. Allele origin: germline. Inheritance: Autosomal dominant inheritance. Affected: yes.

NM_173354.5(SIK1):c.2174C>T (p.Ala725Val)

Gene: SIK1 (salt inducible kinase 1; minus strand). Cytogenetic location: 21q22.3.
Variant type: single nucleotide variant.
Coding change: c.2174C>T on transcript NM_173354.5 (MANE Select); coding-DNA position 2174, C replaced by T.
Protein change: p.Ala725Val; replaces alanine 725 with valine.
Molecular consequence: missense variant.
Genome position (GRCh38, 1-based): chr21:43,416,920, G>A on the plus strand (C>T on the coding strand, the complement: SIK1 is on the minus strand). VCF-style: chr21-43416920-G-A. GRCh37 (hg19) VCF-style: chr21-44836800-G-A.
Other names: p.Ala725Val; short protein forms A725V.
Identifiers: ClinVar variation 476101 (VCV000476101.26), dbSNP rs35596465, ClinGen allele CA321324365.